The following is an entry in ClinVar:

ClinVar aggregate classification (germline): Pathogenic (1 of 4 stars; one submission).

Conditions:
Spastic paraplegia. Identifiers: MedGen C0037772, HP:0001258.

Submission:

Labcorp Genetics (formerly Invitae), Labcorp
Classification: Pathogenic for Spastic paraplegia. Last evaluated: 2018-10-01. Review status: criteria provided, single submitter. Criteria: Invitae Variant Classification Sherloc (09022015). Collection method: clinical testing. Allele origin: germline.
Comment: This sequence change creates a premature translational stop signal (p.Lys647Serfs*5) in the SACS gene. It is expected to result in an absent or disrupted protein product. This variant is not present in population databases (ExAC no frequency). This variant has not been reported in the literature in individuals with SACS-related disease. Loss-of-function variants in SACS are known to be pathogenic (PMID: 18465152, 20876471). For these reasons, this variant has been classified as Pathogenic.

Literature cited by the submitters: PubMed 18465152; PubMed 20876471.

NM_014363.6(SACS):c.1940del (p.Lys647fs)

Gene: SACS (sacsin molecular chaperone; minus strand). Cytogenetic location: 13q12.12.
Variant type: Deletion.
Coding change: c.1940del on transcript NM_014363.6 (MANE Select); coding-DNA position 1940, one base deleted (A; older notation c.1940delA).
Protein change: p.Lys647fs; shifts the reading frame from lysine 647.
Molecular consequence: frameshift variant.
Genome position (GRCh38, 1-based): chr13:23,354,672, T deleted on the plus strand (A on the coding strand, the reverse complement: SACS is on the minus strand); the first of 4 consecutive T bases (chr13:23,354,672-23,354,675); deleting any one gives the same sequence. VCF-style (leftmost placement, unchanged base first): chr13-23354671-CT-C. GRCh37 (hg19) VCF-style: chr13-23928810-CT-C.
Other names: c.1499del, p.Lys500fs (NM_001278055.2); c.1940delA (NM_014363.5); short protein forms K500fs, K647fs.
Identifiers: ClinVar variation 666207 (VCV000666207.6), dbSNP rs1593144167, ClinGen allele CA915946909.